The following is an entry in ClinVar:

NM_052876.4(NACC1):c.992G>T (p.Arg331Leu)

Gene: NACC1 (nucleus accumbens associated 1; plus strand). Cytogenetic location: 19p13.13.
Variant type: single nucleotide variant.
Coding change: c.992G>T on transcript NM_052876.4 (MANE Select); coding-DNA position 992, G replaced by T.
Protein change: p.Arg331Leu; replaces arginine 331 with leucine.
Molecular consequence: missense variant.
Genome position (GRCh38, 1-based): chr19:13,136,277, G>T. VCF-style: chr19-13136277-G-T. GRCh37 (hg19) VCF-style: chr19-13247091-G-T.
Other names: short protein forms R331L.
Identifiers: ClinVar variation 3371467 (VCV003371467.1).

ClinVar aggregate classification (germline): Uncertain significance (1 of 4 stars; one submission).

Submission:

GeneDx
Classification: Uncertain significance. Last evaluated: 2024-03-27. Review status: criteria provided, single submitter. Criteria: GeneDx Variant Classification Process June 2021. Collection method: clinical testing. Allele origin: germline. Affected: yes.
Comment: Not observed at significant frequency in large population cohorts (gnomAD); In silico analysis supports that this missense variant does not alter protein structure/function; Has not been previously published as pathogenic or benign to our knowledge